The following is an entry in ClinVar:

NM_007294.4(BRCA1):c.2830T>A (p.Cys944Ser)

Gene: BRCA1 (BRCA1 DNA repair associated; minus strand). Cytogenetic location: 17q21.31.
Variant type: single nucleotide variant.
Coding change: c.2830T>A on transcript NM_007294.4 (MANE Select); coding-DNA position 2830, T replaced by A.
Protein change: p.Cys944Ser; replaces cysteine 944 with serine.
Molecular consequence: missense variant. On other transcripts: intron variant (137).
Genome position (GRCh38, 1-based): chr17:43,092,701, A>T on the plus strand (T>A on the coding strand, the complement: BRCA1 is on the minus strand). VCF-style: chr17-43092701-A-T. GRCh37 (hg19) VCF-style: chr17-41244718-A-T.
Other names: c.587-1669T>A (NM_001408476.1, NM_001408474.1); c.710-1669T>A (NM_001408409.1, NM_001408414.1, NM_001408411.1 and 2 more transcripts); c.575-1669T>A (NM_001408493.1, NM_001408490.1, NM_001408491.1); c.455-1669T>A (NM_001408502.1); c.578-1669T>A (NM_001408489.1, NM_001408479.1, NM_001408482.1 and 9 more transcripts); c.662-1669T>A (NM_001408445.1, NM_001408432.1, NM_001408450.1 and 6 more transcripts); c.668-1669T>A (NM_001408431.1, NM_001408424.1, NM_001408421.1); c.785-1669T>A (NM_001408407.1, NM_001408402.1, NM_001408473.1 and 13 more transcripts); and 41 more; short protein forms C944S, C897S, C648S, C855S, C877S, C918S, C856S, C876S.
Identifiers: ClinVar variation 422172 (VCV000422172.22), dbSNP rs1064795603, ClinGen allele CA10596330.

ClinVar aggregate classification (germline): Conflicting classifications of pathogenicity. Review status: criteria provided, conflicting classifications (1 of 4 stars). 5 submissions from 5 submitters: Uncertain significance (4); Likely benign (1). Last evaluated 2025-07-15.

Conditions:
Hereditary breast ovarian cancer syndrome. Also called: BRCA1- and BRCA2-Associated Hereditary Breast and Ovarian Cancer; Hereditary breast and/or ovarian cancer syndrome; Hereditary breast and ovarian cancer syndrome; Hereditary breast and ovarian cancer; Hereditary breast and ovarian cancer syndrome (HBOC); Breast and ovarian cancer. Identifiers: Orphanet 145, MedGen C0677776, MeSH D061325, MONDO:0003582. Disease mechanism: loss of function.
Hereditary cancer-predisposing syndrome. Also called: Hereditary neoplastic syndrome; Neoplastic Syndromes, Hereditary; Tumor predisposition; Hereditary Cancer Syndrome. Identifiers: Orphanet 140162, MedGen C0027672, MeSH D009386, MONDO:0015356.

Allele frequency attached by ClinVar (database versions not stated): gnomAD exomes below 0.00001.
gnomAD v4.1: 2 of 1,614,142 alleles (0.00012%); highest among the groups gnomAD compares: Non-Finnish European, 0.00017%; no homozygotes.

Submissions (5):

Labcorp Genetics (formerly Invitae), Labcorp
Classification: Uncertain significance for Hereditary breast ovarian cancer syndrome. Last evaluated: 2025-07-15. Review status: criteria provided, single submitter. Criteria: Invitae Variant Classification Sherloc (09022015). Collection method: clinical testing. Allele origin: germline.
Comment: This sequence change replaces cysteine, which is neutral and slightly polar, with serine, which is neutral and polar, at codon 944 of the BRCA1 protein (p.Cys944Ser). This variant is not present in population databases (gnomAD no frequency). This variant has not been reported in the literature in individuals affected with BRCA1-related conditions. ClinVar contains an entry for this variant (Variation ID: 422172). Invitae Evidence Modeling of protein sequence and biophysical properties (such as structural, functional, and spatial information, amino acid conservation, physicochemical variation, residue mobility, and thermodynamic stability) indicates that this missense variant is not expected to disrupt BRCA1 protein function with a negative predictive value of 80%. In summary, the available evidence is currently insufficient to determine the role of this variant in disease. Therefore, it has been classified as a Variant of Uncertain Significance.

Ambry Genetics
Classification: Uncertain significance for Hereditary cancer-predisposing syndrome. Last evaluated: 2024-10-18. Review status: criteria provided, single submitter. Criteria: Ambry Variant Classification Scheme 2023. Collection method: clinical testing. Allele origin: germline.
Comment: The p.C944S variant (also known as c.2830T>A), located in coding exon 9 of the BRCA1 gene, results from a T to A substitution at nucleotide position 2830. The cysteine at codon 944 is replaced by serine, an amino acid with dissimilar properties. This amino acid position is poorly conserved in available vertebrate species. In addition, this alteration is predicted to be tolerated by in silico analysis. Since supporting evidence is limited at this time, the clinical significance of this alteration remains unclear.

University of Washington Department of Laboratory Medicine, University of Washington
Classification: Likely benign for Hereditary cancer-predisposing syndrome. Last evaluated: 2023-03-23. Review status: criteria provided, single submitter. Criteria: Dines et al. (Genet Med. 2020). Collection method: curation. Allele origin: germline.
Comment: Missense variant in a coldspot region where missense variants are very unlikely to be pathogenic (PMID:31911673).

BRCA1 coldspot (exon 11 using historical exon numbering). Reclassification based on statistical prior probability

Color Diagnostics, LLC DBA Color Health
Classification: Uncertain significance for Hereditary cancer-predisposing syndrome. Last evaluated: 2020-12-08. Review status: criteria provided, single submitter. Criteria: ACMG Guidelines, 2015. Collection method: clinical testing. Allele origin: germline.
Comment: This missense variant replaces cysteine with serine at codon 944 of the BRCA1 protein. Computational prediction suggests that this variant may not impact protein structure and function (internally defined REVEL score threshold <= 0.5, PMID: 27666373). To our knowledge, functional studies have not been reported for this variant. This variant has not been reported in individuals affected with hereditary cancer in the literature. This variant has not been identified in the general population by the Genome Aggregation Database (gnomAD). The available evidence is insufficient to determine the role of this variant in disease conclusively. Therefore, this variant is classified as a Variant of Uncertain Significance.

GeneDx
Classification: Uncertain significance. Last evaluated: 2016-09-01. Review status: criteria provided, single submitter. Criteria: GeneDx Variant Classification (06012015). Collection method: clinical testing. Allele origin: germline. Affected: yes.
Comment: This variant is denoted BRCA1 c.2830T>A at the cDNA level, p.Cys944Ser (C944S) at the protein level, and results in the change of a Cysteine to a Serine (TGT>AGT). Using alternate nomenclature, this variant would be defined as BRCA1 2949T>A. This variant has not, to our knowledge, been published in the literature as pathogenic or benign. BRCA1 Cys944Ser was not observed in approximately 6,500 individuals of European and African American ancestry in the NHLBI Exome Sequencing Project, suggesting it is not a common benign variant in these populations. Since Cysteine and Serine differ in polarity, charge, size or other properties, this is considered a non-conservative amino acid substitution. BRCA1 Cys944Ser occurs at a position that is not conserved and is located in the DNA binding domain and the region of interaction with RAD51 (Chen 1998, Narod 2004). In silico analyses are inconsistent regarding the effect this variant may have on protein structure and function. Based on currently available evidence, it is unclear whether BRCA1 Cys944Ser is a pathogenic or benign variant. We consider it to be a variant of uncertain significance.